The following is an entry in ClinVar:

ClinVar aggregate classification (germline): Uncertain significance (1 of 4 stars; one submission).

Allele frequency attached by ClinVar (database versions not stated): gnomAD exomes below 0.00001.
gnomAD v4.1: 1 of 1,614,096 alleles (0.000062%); highest among the groups gnomAD compares: Non-Finnish European, 0.000085%; no homozygotes.

Submission:

Labcorp Genetics (formerly Invitae), Labcorp
Classification: Uncertain significance. Last evaluated: 2023-08-07. Review status: criteria provided, single submitter. Criteria: Invitae Variant Classification Sherloc (09022015). Collection method: clinical testing. Allele origin: germline.
Comment: In summary, the available evidence is currently insufficient to determine the role of this variant in disease. Therefore, it has been classified as a Variant of Uncertain Significance. Algorithms developed to predict the effect of missense changes on protein structure and function output the following: SIFT: "Not Available"; PolyPhen-2: "Benign"; Align-GVGD: "Not Available". The arginine amino acid residue is found in multiple mammalian species, which suggests that this missense change does not adversely affect protein function. This variant has not been reported in the literature in individuals affected with POLG2-related conditions. This variant is not present in population databases (gnomAD no frequency). This sequence change replaces glutamine, which is neutral and polar, with arginine, which is basic and polar, at codon 85 of the POLG2 protein (p.Gln85Arg).

NM_007215.4(POLG2):c.254A>G (p.Gln85Arg)

Genes: MILR1 (mast cell immunoglobulin like receptor 1; plus strand), POLG2 (DNA polymerase gamma 2, accessory subunit; minus strand). Cytogenetic location: 17q23.3.
Variant type: single nucleotide variant.
Coding change: c.254A>G on transcript NM_007215.4 (MANE Select); coding-DNA position 254, A replaced by G.
Protein change: p.Gln85Arg; replaces glutamine 85 with arginine.
Molecular consequence: missense variant.
Genome position (GRCh38, 1-based): chr17:64,496,715, T>C on the plus strand (A>G on the coding strand, the complement: POLG2 is on the minus strand). VCF-style: chr17-64496715-T-C. GRCh37 (hg19) VCF-style: chr17-62492833-T-C.
Other names: short protein forms Q85R.
Identifiers: ClinVar variation 2965121 (VCV002965121.3), dbSNP rs2509560966, ClinGen allele CA400641314.
Genomic context (GRCh38, chr17:64,496,715, plus strand): 5'-TCTACGCCCAAGGGTCCGAAGCCGGGGTGGCACCCACTCAGAAGAGAATCCCGGCTAAGC[T>C]GCTGCTTGCTTCCACTTAGGAAATGCCTTCTCTGACAGATCTCTAACAGCGCCTCGCTTC-3'
Protein context (NP_009146.2, residues 75-95): RRHFLSGSKQ[Gln85Arg]LSRDSLLSGC